The following is an entry in ClinVar:

ClinVar aggregate classification (germline): Uncertain significance (1 of 4 stars; one submission).

Conditions:
Hereditary cancer-predisposing syndrome. Also called: Neoplastic Syndromes, Hereditary; Tumor predisposition; Hereditary neoplastic syndrome; Hereditary Cancer Syndrome. Identifiers: Orphanet 140162, MedGen C0027672, MeSH D009386, MONDO:0015356.

Submission:

Ambry Genetics
Classification: Uncertain significance for Hereditary cancer-predisposing syndrome. Last evaluated: 2025-04-14. Review status: criteria provided, single submitter. Criteria: Ambry Variant Classification Scheme 2023. Collection method: clinical testing. Allele origin: germline.
Comment: The p.V1413L variant (also known as c.4237G>T), located in coding exon 29 of the ALK gene, results from a G to T substitution at nucleotide position 4237. The valine at codon 1413 is replaced by leucine, an amino acid with highly similar properties. This amino acid position is conserved. In addition, this alteration is predicted to be tolerated by in silico analysis. Based on the available evidence, the clinical significance of this variant remains unclear.

NM_004304.5(ALK):c.4237G>T (p.Val1413Leu)

Gene: ALK (ALK receptor tyrosine kinase; minus strand). Cytogenetic location: 2p23.2.
Variant type: single nucleotide variant.
Coding change: c.4237G>T on transcript NM_004304.5 (MANE Select); coding-DNA position 4237, G replaced by T.
Protein change: p.Val1413Leu; replaces valine 1413 with leucine.
Molecular consequence: missense variant.
Genome position (GRCh38, 1-based): chr2:29,193,850, C>A on the plus strand (G>T on the coding strand, the complement: ALK is on the minus strand). VCF-style: chr2-29193850-C-A. GRCh37 (hg19) VCF-style: chr2-29416716-C-A.
Other names: c.1033G>T, p.Val345Leu (NM_001353765.2); short protein forms V345L, V1413L.
Identifiers: ClinVar variation 4040654 (VCV004040654.1).
Genomic context (GRCh38, chr2:29,193,850, plus strand): 5'-CCCGTTTTGCCTGTTGAGAGACCAGGAGAGGAGGAACCCCCTCAGGGTCCTTGGGCCTCA[C>A]AGGCACTTTCTCTTCCTCTTCCACAAGTGGACCATATTCTATCGGCAAAGCGGTGTTGAT-3'
Protein context (NP_004295.2, residues 1403-1423): PLVEEEEKVP[Val1413Leu]RPKDPEGVPP